The following is an entry in ClinVar:

NM_001166108.2(PALLD):c.2525C>T (p.Thr842Ile)

Genes: CBR4 (carbonyl reductase 4; minus strand), PALLD (palladin, cytoskeletal associated protein; plus strand). Cytogenetic location: 4q32.3.
Variant type: single nucleotide variant.
Coding change: c.2525C>T on transcript NM_001166108.2 (MANE Select); coding-DNA position 2525, C replaced by T.
Protein change: p.Thr842Ile; replaces threonine 842 with isoleucine.
Molecular consequence: missense variant.
Genome position (GRCh38, 1-based): chr4:168,903,809, C>T. VCF-style: chr4-168903809-C-T. GRCh37 (hg19) VCF-style: chr4-169824960-C-T.
Other names: c.1328C>T, p.Thr443Ile (NM_001166109.2); c.1013C>T, p.Thr338Ile (NM_001166110.2); c.353C>T, p.Thr118Ile (NM_001367567.1, NM_001367569.1); c.404C>T, p.Thr135Ile (NM_001367568.1, NM_001367570.1); c.2474C>T, p.Thr825Ile (NM_016081.4); short protein forms T338I, T443I, T118I, T825I, T135I, T842I.
Identifiers: ClinVar variation 4564178 (VCV004564178.1).

ClinVar aggregate classification (germline): Uncertain significance (1 of 4 stars; one submission).

gnomAD v4.1: 1 of 1,611,274 alleles (0.000062%); highest among the groups gnomAD compares: Non-Finnish European, 0.000085%; no homozygotes.

Submission:

Ambry Genetics
Classification: Uncertain significance. Last evaluated: 2025-11-11. Review status: criteria provided, single submitter. Criteria: Ambry Variant Classification Scheme 2023. Collection method: clinical testing. Allele origin: germline.
Comment: The p.T338I variant (also known as c.1013C>T), located in coding exon 5 of the PALLD gene, results from a C to T substitution at nucleotide position 1013. The threonine at codon 338 is replaced by isoleucine, an amino acid with similar properties. This amino acid position is conserved. In addition, this alteration is predicted to be tolerated by in silico analysis. Based on the available evidence, the clinical significance of this variant remains unclear.